The following is an entry in ClinVar:

ClinVar aggregate classification (germline): Pathogenic (1 of 4 stars; one submission).

Conditions:
Microcephaly 18, primary, autosomal dominant (MCPH18). Identifiers: MedGen C4479608, MONDO:0054593, OMIM 617520.

Submission:

Women's Health and Genetics/Laboratory Corporation of America, LabCorp
Classification: Pathogenic for Microcephaly 18, primary, autosomal dominant. Last evaluated: 2025-12-03. Review status: criteria provided, single submitter. Criteria: LabCorp Variant Classification Summary - May 2015. Collection method: clinical testing. Allele origin: germline.
Comment: Variant summary: The variant involves the deletion of exons 17-18 in the WDFY3 gene. A presumed nomenclature of c.(2607+1_2608-1)_(2935+1_2936-1)del has been designated for the purposes of this classification. This Copy Number Variant (CNV) is expected to alter the reading frame and predicted to result in a truncation or absence of the encoded protein due to nonsense mediated decay (NMD). Loss-of-function variants in this gene are known to be pathogenic. The variant was absent in 21694 control chromosomes. To our knowledge, no occurrence of c.(2607+1_2608-1)_(2935+1_2936-1)del in individuals affected with WDFY3-related conditions and no experimental evidence demonstrating its impact on protein function have been reported. No submitters have cited clinical-significance assessments for this variant to ClinVar. Based on the evidence outlined above, the variant was classified as pathogenic.

NC_000004.11:g.(85717906_85719148)_(85723018_85724442)del

Gene: WDFY3 (WD repeat and FYVE domain containing 3; minus strand). Cytogenetic location: 4q21.23.
Variant type: Deletion.
Identifiers: ClinVar variation 4688604 (VCV004688604.1).